The following is an entry in ClinVar:

NM_019066.5(MAGEL2):c.1670C>G (p.Ala557Gly)

Gene: MAGEL2 (MAGE family member L2; minus strand). Cytogenetic location: 15q11.2.
Variant type: single nucleotide variant.
Coding change: c.1670C>G on transcript NM_019066.5 (MANE Select); coding-DNA position 1670, C replaced by G.
Protein change: p.Ala557Gly; replaces alanine 557 with glycine.
Molecular consequence: missense variant.
Genome position (GRCh38, 1-based): chr15:23,646,073, G>C on the plus strand (C>G on the coding strand, the complement: MAGEL2 is on the minus strand). VCF-style: chr15-23646073-G-C. GRCh37 (hg19) VCF-style: chr15-23891220-G-C.
Other names: short protein forms A557G.
Identifiers: ClinVar variation 2634642 (VCV002634642.3), dbSNP rs781233225, ClinGen allele CA391333566.

ClinVar aggregate classification (germline): Uncertain significance. Review status: criteria provided, multiple submitters, no conflicts (2 of 4 stars). 2 submissions from 2 submitters: Uncertain significance (2). Last evaluated 2024-07-17.

Conditions:
MAGEL2-related disorder. Also called: MAGEL2-related condition.

Submissions (2):

Labcorp Genetics (formerly Invitae), Labcorp
Classification: Uncertain significance. Last evaluated: 2024-07-17. Review status: criteria provided, single submitter. Criteria: Invitae Variant Classification Sherloc (09022015). Collection method: clinical testing. Allele origin: germline.
Comment: This sequence change replaces alanine, which is neutral and non-polar, with glycine, which is neutral and non-polar, at codon 557 of the MAGEL2 protein (p.Ala557Gly). This variant is not present in population databases (gnomAD no frequency). This variant has not been reported in the literature in individuals affected with MAGEL2-related conditions. ClinVar contains an entry for this variant (Variation ID: 2634642). Advanced modeling of protein sequence and biophysical properties (such as structural, functional, and spatial information, amino acid conservation, physicochemical variation, residue mobility, and thermodynamic stability) performed at Invitae indicates that this missense variant is not expected to disrupt MAGEL2 protein function with a negative predictive value of 80%. In summary, the available evidence is currently insufficient to determine the role of this variant in disease. Therefore, it has been classified as a Variant of Uncertain Significance.

PreventionGenetics, part of Exact Sciences
Classification: Uncertain significance for MAGEL2-related condition. Last evaluated: 2023-01-17. Review status: criteria provided, single submitter. Criteria: ACMG Guidelines, 2015. Collection method: clinical testing. Allele origin: germline.
Comment: The MAGEL2 c.1670C>G variant is predicted to result in the amino acid substitution p.Ala557Gly. To our knowledge, this variant has not been reported in the literature or in a large population database, indicating this variant is rare. At this time, the clinical significance of this variant is uncertain due to the absence of conclusive functional and genetic evidence.